The following is an entry in ClinVar:

ClinVar aggregate classification (germline): Likely benign. Review status: criteria provided, single submitter (1 of 4 stars). 2 submissions from 2 submitters: Likely benign (1). 1 of the submissions does not count toward it. Last evaluated 2026-01-11.

Conditions:
IFT74-related disorder. Also called: IFT74-related condition; IFT74-Related Disorders.

Allele frequency attached by ClinVar (database versions not stated): TOPMed below 0.00001.
gnomAD v4.1: 1 of 1,581,426 alleles (0.000063%); no homozygotes.

Submissions (2):

Labcorp Genetics (formerly Invitae), Labcorp
Classification: Likely benign. Last evaluated: 2026-01-11. Review status: criteria provided, single submitter. Criteria: Invitae Variant Classification Sherloc (09022015). Collection method: clinical testing. Allele origin: germline.

PreventionGenetics, part of Exact Sciences
Classification: Likely benign for IFT74-related condition. Last evaluated: 2021-04-12. Review status: no assertion criteria provided. Collection method: clinical testing. Allele origin: germline. Not counted in ClinVar's aggregate classification.
Comment: This variant is classified as likely benign based on ACMG/AMP sequence variant interpretation guidelines (Richards et al. 2015 PMID: 25741868, with internal and published modifications).

NM_025103.4(IFT74):c.354A>T (p.Gly118=)

Gene: IFT74 (intraflagellar transport 74; plus strand). Cytogenetic location: 9p21.2.
Variant type: single nucleotide variant.
Coding change: c.354A>T on transcript NM_025103.4 (MANE Select); coding-DNA position 354, A replaced by T.
Protein change: p.Gly118=; no amino-acid change (glycine 118 retained).
Molecular consequence: synonymous variant.
Genome position (GRCh38, 1-based): chr9:26,984,305, A>T. VCF-style: chr9-26984305-A-T. GRCh37 (hg19) VCF-style: chr9-26984303-A-T.
Other names: c.354A>T, p.Gly118= (NM_001099222.3, NM_001099223.3, NM_001099224.3 and 1 more transcripts); c.354A>T (NM_025103.2).
Identifiers: ClinVar variation 1510435 (VCV001510435.8), dbSNP rs1458315887, ClinGen allele CA464167906.
Genomic context (GRCh38, chr9:26,984,305, plus strand): 5'-CTTTTCTAATAGAAGTAAAATAAGTGAACTTACAACTGAAGTTAATAAACTTCAGAAGGG[A>T]ATAGAAATGTACAATCAAGAGAATTCAGTATATTTGTCATATGAAAAGAGGTGAGTAATA-3'
Protein context (NP_079379.2, residues 108-128): LTTEVNKLQK[Gly118=]IEMYNQENSV